The following is an entry in ClinVar:

NM_000179.3(MSH6):c.3172+10T>C

Gene: MSH6 (mutS homolog 6; plus strand). Cytogenetic location: 2p16.3.
Variant type: single nucleotide variant.
Coding change: c.3172+10T>C on transcript NM_000179.3 (MANE Select); 10 bases into the intron after coding-DNA position 3172, T replaced by C.
Molecular consequence: intron variant.
Genome position (GRCh38, 1-based): chr2:47,801,165, T>C. VCF-style: chr2-47801165-T-C. GRCh37 (hg19) VCF-style: chr2-48028304-T-C.
Other names: c.2266+10T>C (NM_001281493.2, NM_001281494.2); c.2782+10T>C (NM_001281492.2).
Identifiers: ClinVar variation 761922 (VCV000761922.13), dbSNP rs1572730570, ClinGen allele CA346756771.

ClinVar aggregate classification (germline): Likely benign. Review status: criteria provided, multiple submitters, no conflicts (2 of 4 stars). 3 submissions from 3 submitters: Likely benign (3). Last evaluated 2025-03-24.

Conditions:
Hereditary nonpolyposis colorectal neoplasms. Identifiers: MedGen C0009405, MeSH D003123.
Lynch syndrome 5 (LYNCH5). Also called: Colorectal cancer, hereditary nonpolyposis, type 5; Hereditary non-polyposis colorectal cancer, type 5. Identifiers: Orphanet 144, MedGen C1833477, MONDO:0013710, OMIM 614350. Disease mechanism: loss of function.

Submissions (3):

Labcorp Genetics (formerly Invitae), Labcorp
Classification: Likely benign for Hereditary nonpolyposis colorectal neoplasms. Last evaluated: 2025-03-24. Review status: criteria provided, single submitter. Criteria: Invitae Variant Classification Sherloc (09022015). Collection method: clinical testing. Allele origin: germline.

Myriad Genetics, Inc.
Classification: Likely benign for Lynch syndrome 5. Last evaluated: 2025-01-03. Review status: criteria provided, single submitter. Criteria: Myriad Autosomal Dominant, Autosomal Recessive and X-Linked Classification Criteria (2023). Collection method: clinical testing. Allele origin: unknown.
Comment: This variant is considered likely benign. This variant is intronic and is not expected to impact mRNA splicing.

Quest Diagnostics Nichols Institute San Juan Capistrano
Classification: Likely benign. Last evaluated: 2021-08-07. Review status: criteria provided, single submitter. Criteria: Quest Diagnostics criteria. Collection method: clinical testing. Allele origin: unknown.